The following is an entry in ClinVar:

ClinVar aggregate classification (germline): Likely pathogenic. Review status: criteria provided, multiple submitters, no conflicts (2 of 4 stars). 2 submissions from 2 submitters: Likely pathogenic (2). Last evaluated 2025-08-11.

Conditions:
Cornelia de Lange syndrome 1 (CDLS1). Also called: Brachmann de Lange syndrome; NIPBL-Related Cornelia de Lange Syndrome; TYPUS DEGENERATIVUS AMSTELODAMENSIS. Identifiers: Orphanet 199, MedGen C4551851, MONDO:0007387, OMIM 122470.

Submissions (2):

Labcorp Genetics (formerly Invitae), Labcorp
Classification: Likely pathogenic for Cornelia de Lange syndrome 1. Last evaluated: 2025-08-11. Review status: criteria provided, single submitter. Criteria: Invitae Variant Classification Sherloc (09022015). Collection method: clinical testing. Allele origin: germline.
Comment: This sequence change replaces glycine, which is neutral and non-polar, with serine, which is neutral and polar, at codon 2381 of the NIPBL protein (p.Gly2381Ser). This variant is not present in population databases (gnomAD no frequency). This variant has not been reported in the literature in individuals affected with NIPBL-related conditions. ClinVar contains an entry for this variant (Variation ID: 159222). Invitae Evidence Modeling of protein sequence and biophysical properties (such as structural, functional, and spatial information, amino acid conservation, physicochemical variation, residue mobility, and thermodynamic stability) indicates that this missense variant is expected to disrupt NIPBL protein function with a positive predictive value of 95%. This variant disrupts the p.Gly2381 amino acid residue in NIPBL. Other variant(s) that disrupt this residue have been observed in individuals with NIPBL-related conditions (PMID: 15318302, 31157197; internal data), which suggests that this may be a clinically significant amino acid residue. In summary, the currently available evidence indicates that the variant is pathogenic, but additional data are needed to prove that conclusively. Therefore, this variant has been classified as Likely Pathogenic.

Genetic Services Laboratory, University of Chicago
Classification: Likely pathogenic for Cornelia de Lange syndrome 1. Last evaluated: 2013-02-08. Review status: criteria provided, single submitter. Criteria: ACMG Guidelines, 2007. Collection method: clinical testing. Allele origin: germline. Inheritance: Autosomal dominant inheritance. Affected: yes.

Literature cited by the submitters: PubMed 15318302 (cited by Labcorp Genetics (formerly Invitae), Labcorp); PubMed 31157197 (cited by Labcorp Genetics (formerly Invitae), Labcorp).

NM_133433.4(NIPBL):c.7141G>A (p.Gly2381Ser)

Gene: NIPBL (NIPBL cohesin loading factor; plus strand). Cytogenetic location: 5p13.2.
Variant type: single nucleotide variant.
Coding change: c.7141G>A on transcript NM_133433.4 (MANE Select); coding-DNA position 7141, G replaced by A.
Protein change: p.Gly2381Ser; replaces glycine 2381 with serine.
Molecular consequence: missense variant.
Genome position (GRCh38, 1-based): chr5:37,052,444, G>A. VCF-style: chr5-37052444-G-A. GRCh37 (hg19) VCF-style: chr5-37052546-G-A.
Other names: c.7141G>A, p.Gly2381Ser (NM_015384.5); short protein forms G2381S.
Identifiers: ClinVar variation 159222 (VCV000159222.7), dbSNP rs587784035, ClinGen allele CA272289.